The following is an entry in ClinVar:

ClinVar aggregate classification (germline): Uncertain significance (1 of 4 stars; one submission).

Conditions:
Inborn genetic diseases. Identifiers: MedGen C0950123, MeSH D030342.

gnomAD v4.1: 1 of 1,614,168 alleles (0.000062%); highest among the groups gnomAD compares: Non-Finnish European, 0.000085%; no homozygotes.

Submission:

Ambry Genetics
Classification: Uncertain significance for Inborn genetic diseases. Last evaluated: 2025-05-17. Review status: criteria provided, single submitter. Criteria: Ambry Variant Classification Scheme 2023. Collection method: clinical testing. Allele origin: germline.
Comment: The p.P188A variant (also known as c.562C>G), located in coding exon 5 of the G6PC3 gene, results from a C to G substitution at nucleotide position 562. The proline at codon 188 is replaced by alanine, an amino acid with highly similar properties. This amino acid position is conserved. In addition, this alteration is predicted to be tolerated by in silico analysis. Based on the available evidence, the clinical significance of this variant remains unclear.

NM_138387.4(G6PC3):c.562C>G (p.Pro188Ala)

Gene: G6PC3 (glucose-6-phosphatase catalytic subunit 3; plus strand). Cytogenetic location: 17q21.31.
Variant type: single nucleotide variant.
Coding change: c.562C>G on transcript NM_138387.4 (MANE Select); coding-DNA position 562, C replaced by G.
Protein change: p.Pro188Ala; replaces proline 188 with alanine.
Molecular consequence: missense variant.
Genome position (GRCh38, 1-based): chr17:44,075,336, C>G. VCF-style: chr17-44075336-C-G. GRCh37 (hg19) VCF-style: chr17-42152704-C-G.
Other names: c.443C>G, p.Ser148Cys (NM_001319945.2); c.217C>G, p.Pro73Ala (NM_001384165.1, NM_001384166.1, NM_001384167.1 and 1 more transcripts); short protein forms P188A, S148C, P73A.
Identifiers: ClinVar variation 4027603 (VCV004027603.1).